The following is an entry in ClinVar:

NM_001005273.3(CHD3):c.4249C>T (p.Arg1417Trp)

Gene: CHD3 (chromodomain helicase DNA binding protein 3; plus strand). Cytogenetic location: 17p13.1.
Variant type: single nucleotide variant.
Coding change: c.4249C>T on transcript NM_001005273.3 (MANE Select); coding-DNA position 4249, C replaced by T.
Protein change: p.Arg1417Trp; replaces arginine 1417 with tryptophan.
Molecular consequence: missense variant.
Genome position (GRCh38, 1-based): chr17:7,905,880, C>T. VCF-style: chr17-7905880-C-T. GRCh37 (hg19) VCF-style: chr17-7809198-C-T.
Other names: c.4426C>T, p.Arg1476Trp (NM_001005271.3); c.4249C>T, p.Arg1417Trp (NM_005852.4); short protein forms R1417W, R1476W.
Identifiers: ClinVar variation 2580726 (VCV002580726.1), dbSNP rs2545062351, ClinGen allele CA397945469.

ClinVar aggregate classification (germline): Uncertain significance (1 of 4 stars; one submission).

Allele frequency attached by ClinVar (database versions not stated): gnomAD exomes below 0.00001.
gnomAD v4.1: 1 of 1,614,174 alleles (0.000062%); highest among the groups gnomAD compares: Non-Finnish European, 0.000085%; no homozygotes.

Submission:

GeneDx
Classification: Uncertain significance. Last evaluated: 2023-03-24. Review status: criteria provided, single submitter. Criteria: GeneDx Variant Classification Process June 2021. Collection method: clinical testing. Allele origin: germline. Affected: yes.
Comment: Not observed at significant frequency in large population cohorts (gnomAD); In silico analysis supports that this missense variant has a deleterious effect on protein structure/function; Has not been previously published as pathogenic or benign to our knowledge